The following is an entry in ClinVar:

ClinVar aggregate classification (germline): Uncertain significance (1 of 4 stars; one submission).

Conditions:
Retinitis pigmentosa 55 (RP55). Identifiers: Orphanet 791, MedGen C3150808, MONDO:0013312, OMIM 613575.
Bardet-Biedl syndrome 3 (BBS3). Identifiers: Orphanet 110, MedGen C1859564, MONDO:0010832, OMIM 600151.

Submission:

Labcorp Genetics (formerly Invitae), Labcorp
Classification: Uncertain significance for Retinitis pigmentosa 55; Bardet-Biedl syndrome 3. Last evaluated: 2024-04-22. Review status: criteria provided, single submitter. Criteria: Invitae Variant Classification Sherloc (09022015). Collection method: clinical testing. Allele origin: germline.
Comment: This sequence change replaces glycine, which is neutral and non-polar, with alanine, which is neutral and non-polar, at codon 72 of the ARL6 protein (p.Gly72Ala). This variant is not present in population databases (gnomAD no frequency). This variant has not been reported in the literature in individuals affected with ARL6-related conditions. ClinVar contains an entry for this variant (Variation ID: 1716906). An algorithm developed to predict the effect of missense changes on protein structure and function (PolyPhen-2) suggests that this variant is likely to be disruptive. In summary, the available evidence is currently insufficient to determine the role of this variant in disease. Therefore, it has been classified as a Variant of Uncertain Significance.

NM_001278293.3(ARL6):c.215G>C (p.Gly72Ala)

Gene: ARL6 (ARF like GTPase 6; plus strand). Cytogenetic location: 3q11.2.
Variant type: single nucleotide variant.
Coding change: c.215G>C on transcript NM_001278293.3 (MANE Select); coding-DNA position 215, G replaced by C.
Protein change: p.Gly72Ala; replaces glycine 72 with alanine.
Molecular consequence: missense variant. On other transcripts: non-coding transcript variant (7).
Genome position (GRCh38, 1-based): chr3:97,780,644, G>C. VCF-style: chr3-97780644-G-C. GRCh37 (hg19) VCF-style: chr3-97499488-G-C.
Other names: c.215G>C, p.Gly72Ala (NM_001323513.2, NM_001323514.2, NM_032146.5 and 1 more transcripts); short protein forms G72A.
Identifiers: ClinVar variation 1716906 (VCV001716906.5), dbSNP rs2529895913, ClinGen allele CA353586139.